The following is an entry in ClinVar:

ClinVar aggregate classification (germline): Uncertain significance. Review status: criteria provided, multiple submitters, no conflicts (2 of 4 stars). 2 submissions from 2 submitters: Uncertain significance (2). Last evaluated 2024-07-23.

Conditions:
Acrocallosal syndrome (ACLS). Also called: Schinzel syndrome 1; Absence of corpus callosum with unusual facial appearance, mental deficiency, duplication of the halluces and polydactyly; HALLUX DUPLICATION, POSTAXIAL POLYDACTYLY, AND ABSENCE OF CORPUS CALLOSUM. Identifiers: Orphanet 36, MedGen C0796147, MONDO:0008708, OMIM 200990.

Allele frequency attached by ClinVar (database versions not stated): gnomAD 0.00001; gnomAD exomes 0.00001; ExAC 0.00007.
gnomAD v4.1: 12 of 1,535,736 alleles (0.00078%); highest among the groups gnomAD compares: Non-Finnish European, 0.001%; no homozygotes.

Submissions (2):

Blueprint Genetics
Classification: Uncertain significance. Last evaluated: 2024-07-23. Review status: criteria provided, single submitter. Criteria: ACMG Guidelines, 2015. Collection method: clinical testing. Allele origin: germline.

Labcorp Genetics (formerly Invitae), Labcorp
Classification: Uncertain significance for Acrocallosal syndrome. Last evaluated: 2022-05-31. Review status: criteria provided, single submitter. Criteria: Invitae Variant Classification Sherloc (09022015). Collection method: clinical testing. Allele origin: germline.
Comment: In summary, the available evidence is currently insufficient to determine the role of this variant in disease. Therefore, it has been classified as a Variant of Uncertain Significance. Algorithms developed to predict the effect of missense changes on protein structure and function are either unavailable or do not agree on the potential impact of this missense change (SIFT: "Deleterious"; PolyPhen-2: "Probably Damaging"; Align-GVGD: "Class C0"). This variant has not been reported in the literature in individuals affected with KIF7-related conditions. This variant is present in population databases (rs764533193, gnomAD 0.005%). This sequence change replaces arginine, which is basic and polar, with histidine, which is basic and polar, at codon 345 of the KIF7 protein (p.Arg345His).

NM_198525.3(KIF7):c.1034G>A (p.Arg345His)

Gene: KIF7 (kinesin family member 7; minus strand). Cytogenetic location: 15q26.1.
Variant type: single nucleotide variant.
Coding change: c.1034G>A on transcript NM_198525.3 (MANE Select); coding-DNA position 1034, G replaced by A.
Protein change: p.Arg345His; replaces arginine 345 with histidine.
Molecular consequence: missense variant.
Genome position (GRCh38, 1-based): chr15:89,648,664, C>T on the plus strand (G>A on the coding strand, the complement: KIF7 is on the minus strand). VCF-style: chr15-89648664-C-T. GRCh37 (hg19) VCF-style: chr15-90191895-C-T.
Other names: short protein forms R345H.
Identifiers: ClinVar variation 2160970 (VCV002160970.3), dbSNP rs764533193, ClinGen allele CA7728590.